The following is an entry in ClinVar:

ClinVar aggregate classification (germline): Pathogenic/Likely pathogenic. Review status: criteria provided, multiple submitters, no conflicts (2 of 4 stars). 2 submissions from 2 submitters: Pathogenic (1); Likely pathogenic (1). Last evaluated 2023-01-16.

Conditions:
Weill-Marchesani syndrome 2, dominant. Also called: Weill-Marchesani Syndrome, Autosomal Dominant; FBN1-Related Weill-Marchesani Syndrome. Identifiers: Orphanet 2084, MedGen C1869115, MONDO:0012013, OMIM 608328.
Progeroid and marfanoid aspect-lipodystrophy syndrome. Also called: Marfan lipodystrophy syndrome; MARFANOID-PROGEROID SYNDROME; MARFAN-PROGEROID-LIPODYSTROPHY SYNDROME; MARFANOID-PROGEROID-LIPODYSTROPHY SYNDROME. Identifiers: Orphanet 300382, MedGen C4310796, MONDO:0014831, OMIM 616914.
Stiff skin syndrome (SSKS). Identifiers: Orphanet 2833, MedGen C1861456, MONDO:0008492, OMIM 184900.
Acromicric dysplasia (ACMICD). Also called: Acromicric skeletal dysplasia. Identifiers: Orphanet 969, MedGen C0265287, MONDO:0007055, OMIM 102370.
Geleophysic dysplasia 2 (GPHYSD2). Identifiers: Orphanet 2623, MedGen C3280054, MONDO:0013612, OMIM 614185.
Ectopia lentis 1, isolated, autosomal dominant (ECTOL1). Identifiers: Orphanet 1885, MedGen C3541518, MONDO:0007514, OMIM 129600.
Marfan syndrome (MFS). Also called: FBN1-Related Marfan Syndrome; Marfan syndrome type 1; Marfan's syndrome; Marfan syndrome, classic; MARFAN SYNDROME, TYPE I. Identifiers: Orphanet 284963, Orphanet 558, MedGen C0024796, MONDO:0007947, OMIM 154700.
MASS syndrome (OCTD). Also called: MASS PHENOTYPE; OVERLAP CONNECTIVE TISSUE DISEASE. Identifiers: MedGen C1858556, MONDO:0011431, OMIM 604308.
Familial thoracic aortic aneurysm and aortic dissection (TAAD). Also called: Thoracic aortic aneurysms and dissections. Identifiers: Orphanet 91387, MedGen C4707243, MONDO:0019625.

Submissions (2):

Labcorp Genetics (formerly Invitae), Labcorp
Classification: Likely pathogenic for Marfan syndrome; Familial thoracic aortic aneurysm and aortic dissection. Last evaluated: 2023-01-16. Review status: criteria provided, single submitter. Criteria: Invitae Variant Classification Sherloc (09022015). Collection method: clinical testing. Allele origin: germline.
Comment: Algorithms developed to predict the effect of sequence changes on RNA splicing suggest that this variant may disrupt the consensus splice site. This sequence change affects an acceptor splice site in intron 45 of the FBN1 gene. It is expected to disrupt RNA splicing. Variants that disrupt the donor or acceptor splice site typically lead to a loss of protein function (PMID: 16199547), and loss-of-function variants in FBN1 are known to be pathogenic (PMID: 17657824, 19293843). This variant is not present in population databases (gnomAD no frequency). Disruption of this splice site has been observed in individual(s) with Marfan syndrome (Invitae). ClinVar contains an entry for this variant (Variation ID: 626102). In summary, the currently available evidence indicates that the variant is pathogenic, but additional data are needed to prove that conclusively. Therefore, this variant has been classified as Likely Pathogenic.

Center for Genomics, Ann and Robert H. Lurie Children's Hospital of Chicago
Classification: Pathogenic for Geleophysic dysplasia 2; Weill-Marchesani syndrome 2, dominant; Ectopia lentis 1, isolated, autosomal dominant; MASS syndrome; Progeroid and marfanoid aspect-lipodystrophy syndrome; Acromicric dysplasia; Marfan syndrome; Stiff skin syndrome. Review status: criteria provided, single submitter. Criteria: ACMG Guidelines, 2015. Collection method: clinical testing. Allele origin: germline.
Comment: FBN1 NM_000138.4 exon 46 c.5546-1G>A: This variant has not been reported in the literature and is not present in large control databases. Evolutionary conservation and computational predictive tools for this variant are limited or unavailable. Of note, this variant alters the consensus splice sequence (+/- 1,2) which is predicted to result in an absent or abnormal protein. Loss of function variants are a known mechanism of disease for this gene (Dietz 2017 PMID: 20301510). In summary, data on this variant is highly suspicious for disease, but requires further evidence for pathogenicity. Therefore, this variant classified as likely pathogenic.

Literature cited by the submitters: PubMed 16199547 (cited by Labcorp Genetics (formerly Invitae), Labcorp); PubMed 17657824 (cited by Labcorp Genetics (formerly Invitae), Labcorp); PubMed 19293843 (cited by Labcorp Genetics (formerly Invitae), Labcorp).

NM_000138.5(FBN1):c.5546-1G>A

Gene: FBN1 (fibrillin 1; minus strand). Cytogenetic location: 15q21.1.
Variant type: single nucleotide variant.
Coding change: c.5546-1G>A on transcript NM_000138.5 (MANE Select); the canonical splice acceptor site of the intron before coding-DNA position 5546, G replaced by A.
Molecular consequence: splice acceptor variant.
Genome position (GRCh38, 1-based): chr15:48,448,894, C>T on the plus strand (G>A on the coding strand, the complement: FBN1 is on the minus strand). VCF-style: chr15-48448894-C-T. GRCh37 (hg19) VCF-style: chr15-48741091-C-T.
Other names: c.5546-1G>A (NM_001406716.1).
Identifiers: ClinVar variation 626102 (VCV000626102.6), dbSNP rs1566899590, ClinGen allele CA392342636.